The following is an entry in ClinVar:

NM_130468.4(CHST14):c.65T>C (p.Leu22Pro)

Genes: CHST14 (carbohydrate sulfotransferase 14; plus strand), LOC130056851 (ATAC-STARR-seq lymphoblastoid silent region 6336; plus strand). Cytogenetic location: 15q15.1.
Variant type: single nucleotide variant.
Coding change: c.65T>C on transcript NM_130468.4 (MANE Select); coding-DNA position 65, T replaced by C.
Protein change: p.Leu22Pro; replaces leucine 22 with proline.
Molecular consequence: missense variant.
Genome position (GRCh38, 1-based): chr15:40,471,278, T>C. VCF-style: chr15-40471278-T-C. GRCh37 (hg19) VCF-style: chr15-40763477-T-C.
Other names: short protein forms L22P.
Identifiers: ClinVar variation 1957622 (VCV001957622.5), dbSNP rs2543005242, ClinGen allele CA391762028.

ClinVar aggregate classification (germline): Uncertain significance (1 of 4 stars; one submission).

Conditions:
Ehlers-Danlos syndrome, musculocontractural type (EDSMC). Also called: ARTHROGRYPOSIS, DISTAL, WITH PECULIAR FACIES AND HYDRONEPHROSIS; Adducted thumb, clubfoot, progressive joint and skin laxity syndrome; DUNDAR SYNDROME; ADDUCTED THUMB-CLUBFOOT SYNDROME. Identifiers: Orphanet 2953, MedGen C1866294, MONDO:0011142.

Allele frequency attached by ClinVar (database versions not stated): gnomAD exomes below 0.00001.

Submission:

Labcorp Genetics (formerly Invitae), Labcorp
Classification: Uncertain significance for Ehlers-Danlos syndrome, musculocontractural type. Last evaluated: 2022-10-13. Review status: criteria provided, single submitter. Criteria: Invitae Variant Classification Sherloc (09022015). Collection method: clinical testing. Allele origin: germline.
Comment: In summary, the available evidence is currently insufficient to determine the role of this variant in disease. Therefore, it has been classified as a Variant of Uncertain Significance. Algorithms developed to predict the effect of missense changes on protein structure and function output the following: SIFT: "Tolerated"; PolyPhen-2: "Benign"; Align-GVGD: "Class C0". The proline amino acid residue is found in multiple mammalian species, which suggests that this missense change does not adversely affect protein function. This variant has not been reported in the literature in individuals affected with CHST14-related conditions. This variant is not present in population databases (gnomAD no frequency). This sequence change replaces leucine, which is neutral and non-polar, with proline, which is neutral and non-polar, at codon 22 of the CHST14 protein (p.Leu22Pro).